The following is an entry in ClinVar:

ClinVar aggregate classification (germline): Uncertain significance. Review status: criteria provided, multiple submitters, no conflicts (2 of 4 stars). 3 submissions from 3 submitters: Uncertain significance (2). 1 of the submissions does not count toward it. Last evaluated 2025-02-25.

Conditions:
Hereditary cancer-predisposing syndrome. Also called: Hereditary neoplastic syndrome; Neoplastic Syndromes, Hereditary; Tumor predisposition; Hereditary Cancer Syndrome. Identifiers: Orphanet 140162, MedGen C0027672, MeSH D009386, MONDO:0015356.
Ataxia-telangiectasia syndrome (AT). Also called: LOUIS-BAR SYNDROME; Cerebello-oculocutaneous telangiectasia; Immunodeficiency with ataxia telangiectasia; AT, COMPLEMENTATION GROUP C; Ataxia-telangiectasia, complementation group D; ATAXIA-TELANGIECTASIA, COMPLEMENTATION GROUP A. Identifiers: Orphanet 100, MedGen C0004135, MONDO:0008840, OMIM 208900.

Allele frequency attached by ClinVar (database versions not stated): gnomAD exomes below 0.00001; ExAC 0.00001; gnomAD 0.00001; TOPMed 0.00001.
gnomAD v4.1: 4 of 1,559,182 alleles (0.00026%); highest among the groups gnomAD compares: South Asian, 0.0035%; no homozygotes.

Submissions (3):

Ambry Genetics
Classification: Uncertain significance for Hereditary cancer-predisposing syndrome. Last evaluated: 2025-02-25. Review status: criteria provided, single submitter. Criteria: Ambry Variant Classification Scheme 2023. Collection method: clinical testing. Allele origin: germline.
Comment: The p.Y1544H variant (also known as c.4630T>C), located in coding exon 30 of the ATM gene, results from a T to C substitution at nucleotide position 4630. The tyrosine at codon 1544 is replaced by histidine, an amino acid with similar properties. This amino acid position is well conserved in available vertebrate species. In addition, this alteration is predicted to be tolerated by in silico analysis. Based on the available evidence, the clinical significance of this variant remains unclear.

Labcorp Genetics (formerly Invitae), Labcorp
Classification: Uncertain significance for Ataxia-telangiectasia syndrome. Last evaluated: 2021-08-30. Review status: criteria provided, single submitter. Criteria: Invitae Variant Classification Sherloc (09022015). Collection method: clinical testing. Allele origin: germline.
Comment: This sequence change replaces tyrosine with histidine at codon 1544 of the ATM protein (p.Tyr1544His). The tyrosine residue is moderately conserved and there is a moderate physicochemical difference between tyrosine and histidine. This variant is present in population databases (rs771554153, ExAC 0.007%). This variant has not been reported in the literature in individuals affected with ATM-related conditions. ClinVar contains an entry for this variant (Variation ID: 482581). Algorithms developed to predict the effect of missense changes on protein structure and function (SIFT, PolyPhen-2, Align-GVGD) all suggest that this variant is likely to be disruptive. In summary, the available evidence is currently insufficient to determine the role of this variant in disease. Therefore, it has been classified as a Variant of Uncertain Significance.

Natera, Inc.
Classification: Uncertain significance for Ataxia-telangiectasia. Last evaluated: 2020-02-01. Review status: no assertion criteria provided. Collection method: clinical testing. Allele origin: germline. Not counted in ClinVar's aggregate classification.

NM_000051.4(ATM):c.4630T>C (p.Tyr1544His)

Gene: ATM (ATM serine/threonine kinase; plus strand). Cytogenetic location: 11q22.3.
Variant type: single nucleotide variant.
Coding change: c.4630T>C on transcript NM_000051.4 (MANE Select); coding-DNA position 4630, T replaced by C.
Protein change: p.Tyr1544His; replaces tyrosine 1544 with histidine.
Molecular consequence: missense variant.
Genome position (GRCh38, 1-based): chr11:108,293,331, T>C. VCF-style: chr11-108293331-T-C. GRCh37 (hg19) VCF-style: chr11-108164058-T-C.
Other names: c.4630T>C, p.Tyr1544His (NM_001351834.2); short protein forms Y1544H.
Identifiers: ClinVar variation 482581 (VCV000482581.17), dbSNP rs771554153, ClinGen allele CA6265522.
Genomic context (GRCh38, chr11:108,293,331, plus strand): 5'-TATTTCTCTCCTTATAATTTTTTCTTTTTAAATTATATTTAGGTATTGGACTTGTTGAAA[T>C]ACTTAGTGATAGATAACAAGGATAATGAAAACCTCTATATCACGATTAAGCTTTTAGATC-3'
Protein context (NP_000042.3, residues 1534-1554): VQKQVLDLLK[Tyr1544His]LVIDNKDNEN